The following is an entry in ClinVar:

ClinVar aggregate classification (germline): Pathogenic. Review status: criteria provided, multiple submitters, no conflicts (2 of 4 stars). 2 submissions from 2 submitters: Pathogenic (2). Last evaluated 2026-07-01.

Conditions:
Glycogen storage disease, type II (IOPD). Also called: CARDIOMEGALIA GLYCOGENICA DIFFUSA; GLYCOGENOSIS, GENERALIZED, CARDIAC FORM; GSD II; POMPE DISEASE, INFANTILE-ONSET; GLYCOGEN STORAGE DISEASE II, INFANTILE-ONSET; ACID ALPHA-GLUCOSIDASE DEFICIENCY, INFANTILE-ONSET. Identifiers: Orphanet 365, MedGen C0017921, MONDO:0009290, OMIM 232300.

Submissions (2):

Genomenon, Inc
Classification: Pathogenic for Glycogen storage disease, type II. Last evaluated: 2026-07-01. Review status: criteria provided, single submitter. Criteria: Genomenon Sequence Variant Interpretation Standards - Updated. Collection method: curation. Allele origin: germline. Affected: yes.
Comment: GAA p.Thr551ProfsTer27 (c.1650del) is a frameshift variant that is predicted to introduce a premature termination codon and result in a truncated or absent protein product. This variant has been observed in at least one proband with a GAA-related disorder (PMID:27649523). It is absent or not present at a significant frequency in gnomAD. In conclusion, we classify GAA p.Thr551ProfsTer27 (c.1650del) as a pathogenic variant.

Labcorp Genetics (formerly Invitae), Labcorp
Classification: Pathogenic for Glycogen storage disease, type II. Last evaluated: 2023-11-12. Review status: criteria provided, single submitter. Criteria: Invitae Variant Classification Sherloc (09022015). Collection method: clinical testing. Allele origin: germline.
Comment: This sequence change creates a premature translational stop signal (p.Thr551Profs*27) in the GAA gene. It is expected to result in an absent or disrupted protein product. Loss-of-function variants in GAA are known to be pathogenic (PMID: 18425781, 22252923). The frequency data for this variant in the population databases is considered unreliable, as metrics indicate poor data quality at this position in the gnomAD database. This premature translational stop signal has been observed in individual(s) with glycogen storage disease type II (PMID: 27649523, 28900456). ClinVar contains an entry for this variant (Variation ID: 1359988). For these reasons, this variant has been classified as Pathogenic.

Literature cited by the submitters: PubMed 27649523 (cited by Genomenon, Inc and Labcorp Genetics (formerly Invitae), Labcorp); PubMed 18425781 (cited by Labcorp Genetics (formerly Invitae), Labcorp); PubMed 22252923 (cited by Labcorp Genetics (formerly Invitae), Labcorp); PubMed 28900456 (cited by Labcorp Genetics (formerly Invitae), Labcorp).

NM_000152.5(GAA):c.1650del (p.Thr551fs)

Gene: GAA (alpha glucosidase; plus strand). Cytogenetic location: 17q25.3.
Variant type: Deletion.
Coding change: c.1650del on transcript NM_000152.5 (MANE Select); coding-DNA position 1650, one base deleted (G; older notation c.1650delG).
Protein change: p.Thr551fs; shifts the reading frame from threonine 551.
Molecular consequence: frameshift variant.
Genome position (GRCh38, 1-based): chr17:80,111,996, G deleted; the last of 6 consecutive G bases (chr17:80,111,991-80,111,996); deleting any one gives the same sequence. VCF-style (leftmost placement, unchanged base first): chr17-80111990-TG-T. GRCh37 (hg19) VCF-style: chr17-78085789-TG-T.
Other names: c.1650del, p.Thr551fs (NM_001079803.3, NM_001079804.3); short protein forms T551fs.
Identifiers: ClinVar variation 1359988 (VCV001359988.7), dbSNP rs766398206, ClinGen allele CA627699787.